The following is an entry in ClinVar:

NM_000304.4(PMP22):c.-34-294C>G

Gene: PMP22 (peripheral myelin protein 22; minus strand). Cytogenetic location: 17p12.
Variant type: single nucleotide variant.
Coding change: c.-34-294C>G on transcript NM_000304.4 (MANE Select); 294 bases into the intron before 34 bases upstream of the start codon, C replaced by G.
Molecular consequence: intron variant.
Genome position (GRCh38, 1-based): chr17:15,261,055, G>C on the plus strand (C>G on the coding strand, the complement: PMP22 is on the minus strand). VCF-style: chr17-15261055-G-C. GRCh37 (hg19) VCF-style: chr17-15164372-G-C.
Other names: c.-30-298C>G (NM_001281456.2); c.-34-294C>G (NM_153321.3, NM_001281455.2, NM_001330143.2).
Identifiers: ClinVar variation 668754 (VCV000668754.2), dbSNP rs2286517, ClinGen allele CA14397202.

ClinVar aggregate classification (germline): Benign. Review status: criteria provided, multiple submitters, no conflicts (2 of 4 stars). 2 submissions from 2 submitters: Benign (2). Last evaluated 2018-06-19.

Allele frequency attached by ClinVar (database versions not stated): 1000 Genomes Project 0.06050; 1000 Genomes Project 30x 0.06137; gnomAD 0.07854 and 0.08011; TOPMed 0.08016; gnomAD exomes 0.09921.
gnomAD v4.1: 15,722 of 188,252 alleles (8.4%); highest among the groups gnomAD compares: Non-Finnish European, 11%; 822 homozygotes.

Submissions (2):

GeneDx
Classification: Benign. Last evaluated: 2018-06-19. Review status: criteria provided, single submitter. Criteria: GeneDx Variant Classification (06012015). Collection method: clinical testing. Allele origin: germline. Affected: yes.
Comment: This variant is considered likely benign or benign based on one or more of the following criteria: it is a conservative change, it occurs at a poorly conserved position in the protein, it is predicted to be benign by multiple in silico algorithms, and/or has population frequency not consistent with disease.

Breakthrough Genomics
Classification: Benign. Review status: criteria provided, single submitter. Criteria: ACMG Guidelines, 2015. Collection method: not provided. Allele origin: germline. Inheritance: Autosomal recessive inheritance. Affected: yes.